The following is an entry in ClinVar:

ClinVar aggregate classification (germline): Uncertain significance. Review status: criteria provided, multiple submitters, no conflicts (2 of 4 stars). 2 submissions from 2 submitters: Uncertain significance (2). Last evaluated 2024-08-06.

Conditions:
Hereditary cancer-predisposing syndrome. Also called: Tumor predisposition; Neoplastic Syndromes, Hereditary; Hereditary Cancer Syndrome; Hereditary neoplastic syndrome. Identifiers: Orphanet 140162, MedGen C0027672, MeSH D009386, MONDO:0015356.
Hereditary breast ovarian cancer syndrome. Also called: Hereditary breast and ovarian cancer; Breast and ovarian cancer; Hereditary breast and/or ovarian cancer syndrome; Hereditary breast and ovarian cancer syndrome; BRCA1- and BRCA2-Associated Hereditary Breast and Ovarian Cancer; Hereditary breast and ovarian cancer syndrome (HBOC). Identifiers: Orphanet 145, MedGen C0677776, MeSH D061325, MONDO:0003582. Disease mechanism: loss of function.

Submissions (2):

Ambry Genetics
Classification: Uncertain significance for Hereditary cancer-predisposing syndrome. Last evaluated: 2024-08-06. Review status: criteria provided, single submitter. Criteria: Ambry Variant Classification Scheme 2023. Collection method: clinical testing. Allele origin: germline.
Comment: The p.S663I variant (also known as c.1988G>T), located in coding exon 9 of the BRCA1 gene, results from a G to T substitution at nucleotide position 1988. The serine at codon 663 is replaced by isoleucine, an amino acid with dissimilar properties. This amino acid position is conserved. In addition, the in silico prediction for this alteration is inconclusive. Based on the available evidence, the clinical significance of this variant remains unclear.

Labcorp Genetics (formerly Invitae), Labcorp
Classification: Uncertain significance for Hereditary breast ovarian cancer syndrome. Last evaluated: 2024-04-10. Review status: criteria provided, single submitter. Criteria: Invitae Variant Classification Sherloc (09022015). Collection method: clinical testing. Allele origin: germline.
Comment: This sequence change replaces serine, which is neutral and polar, with isoleucine, which is neutral and non-polar, at codon 663 of the BRCA1 protein (p.Ser663Ile). This variant is not present in population databases (gnomAD no frequency). This variant has not been reported in the literature in individuals affected with BRCA1-related conditions. Advanced modeling of protein sequence and biophysical properties (such as structural, functional, and spatial information, amino acid conservation, physicochemical variation, residue mobility, and thermodynamic stability) performed at Invitae indicates that this missense variant is not expected to disrupt BRCA1 protein function with a negative predictive value of 95%. In summary, the available evidence is currently insufficient to determine the role of this variant in disease. Therefore, it has been classified as a Variant of Uncertain Significance.

NM_007294.4(BRCA1):c.1988G>T (p.Ser663Ile)

Gene: BRCA1 (BRCA1 DNA repair associated; minus strand). Cytogenetic location: 17q21.31.
Variant type: single nucleotide variant.
Coding change: c.1988G>T on transcript NM_007294.4 (MANE Select); coding-DNA position 1988, G replaced by T.
Protein change: p.Ser663Ile; replaces serine 663 with isoleucine.
Molecular consequence: missense variant. On other transcripts: intron variant (137).
Genome position (GRCh38, 1-based): chr17:43,093,543, C>A on the plus strand (G>T on the coding strand, the complement: BRCA1 is on the minus strand). VCF-style: chr17-43093543-C-A. GRCh37 (hg19) VCF-style: chr17-41245560-C-A.
Other names: c.404-2511G>T (NM_001408511.1); c.646+1201G>T (NM_001408457.1, NM_001408458.1, NM_001408469.1 and 11 more transcripts); c.520+1201G>T (NM_001408505.1, NM_001408503.1, NM_001408504.1); c.460+2303G>T (NM_001408507.1, NM_001408506.1); c.545-2511G>T (NM_001408495.1); c.661+1201G>T (NM_001408448.1, NM_001408446.1, NM_001408435.1 and 6 more transcripts); c.664+1201G>T (NM_001408427.1, NM_001408436.1, NM_001408444.1 and 12 more transcripts); c.523+1201G>T (NM_001408496.1, NM_001408498.1, NM_001408501.1 and 3 more transcripts); and 40 more; short protein forms S367I, S551I, S592I, S593I, S596I, S662I, S552I, S574I.
Identifiers: ClinVar variation 3481835 (VCV003481835.3).